The following is an entry in ClinVar:

NM_172364.5(CACNA2D4):c.2152+13C>T

Gene: CACNA2D4 (calcium voltage-gated channel auxiliary subunit alpha2delta 4; minus strand). Cytogenetic location: 12p13.33.
Variant type: single nucleotide variant.
Coding change: c.2152+13C>T on transcript NM_172364.5 (MANE Select); 13 bases into the intron after coding-DNA position 2152, C replaced by T.
Molecular consequence: intron variant.
Genome position (GRCh38, 1-based): chr12:1,855,999, G>A on the plus strand (C>T on the coding strand, the complement: CACNA2D4 is on the minus strand). VCF-style: chr12-1855999-G-A. GRCh37 (hg19) VCF-style: chr12-1965165-G-A.
Identifiers: ClinVar variation 881229 (VCV000881229.13), dbSNP rs143736778, ClinGen allele CA6386835.
Genomic context (GRCh38, chr12:1,855,999, plus strand): 5'-ACCTCTCCTGGCAAAGTCCTGAACTTCAGGGCCCCAGAGGAAAAGCTTGCCTCAGTGGGC[G>A]GCCAGCACTCACACTCCAGGTCTGGGTCCTTCCTGGTGAGGAAGCGGATCATGGCCTCTA-3'

ClinVar aggregate classification (germline): Benign. Review status: criteria provided, multiple submitters, no conflicts (2 of 4 stars). 3 submissions from 3 submitters: Benign (3). Last evaluated 2026-02-03.

Conditions:
Retinal cone dystrophy 4 (RCD4). Identifiers: Orphanet 1872, MedGen C1864849, MONDO:0012507, OMIM 610478.

Allele frequency attached by ClinVar (database versions not stated): 1000 Genomes Project 0.00319; 1000 Genomes Project 30x 0.00359; TOPMed 0.00822; gnomAD 0.00824 and 0.00855; gnomAD exomes 0.00957 and 0.01204; ExAC 0.00984; ESP Exome Variant Server 0.01118.
gnomAD v4.1: 18,764 of 1,605,866 alleles (1.2%); highest among the groups gnomAD compares: Non-Finnish European, 1.4%; 155 homozygotes.

Submissions (3):

Labcorp Genetics (formerly Invitae), Labcorp
Classification: Benign. Last evaluated: 2026-02-03. Review status: criteria provided, single submitter. Criteria: Invitae Variant Classification Sherloc (09022015). Collection method: clinical testing. Allele origin: germline.

Illumina Laboratory Services, Illumina
Classification: Benign for Retinal cone dystrophy 4. Last evaluated: 2018-01-12. Review status: criteria provided, single submitter. Criteria: ICSL Variant Classification Criteria 13 December 2019. Collection method: clinical testing. Allele origin: germline.
Comment: This variant was observed in the ICSL laboratory as part of a predisposition screen in an ostensibly healthy population. It had not been previously curated by ICSL or reported in the Human Gene Mutation Database (HGMD: prior to June 1st, 2018), and was therefore a candidate for classification through an automated scoring system. Utilizing variant allele frequency, disease prevalence and penetrance estimates, and inheritance mode, an automated score was calculated to assess if this variant is too frequent to cause the disease. Based on the score and internal cut-off values, a variant classified as benign is not then subjected to further curation. The score for this variant resulted in a classification of benign for this disease.

Breakthrough Genomics
Classification: Benign. Review status: criteria provided, single submitter. Criteria: ACMG Guidelines, 2015. Collection method: not provided. Allele origin: germline. Inheritance: Autosomal recessive inheritance. Affected: yes.